The following is an entry in ClinVar:

ClinVar aggregate classification (germline): Conflicting classifications of pathogenicity. Review status: criteria provided, conflicting classifications (1 of 4 stars). 3 submissions from 3 submitters: Uncertain significance (2); Likely benign (1). Last evaluated 2025-12-01.

Conditions:
Inborn genetic diseases. Identifiers: MedGen C0950123, MeSH D030342.

Allele frequency attached by ClinVar (database versions not stated): gnomAD 0.00006; TOPMed 0.00007; ESP Exome Variant Server 0.00008; 1000 Genomes Project 30x 0.00016.
gnomAD v4.1: 26 of 1,612,956 alleles (0.0016%); highest among the groups gnomAD compares: African/African-American, 0.015%; no homozygotes.

Submissions (3):

Labcorp Genetics (formerly Invitae), Labcorp
Classification: Likely benign. Last evaluated: 2025-12-01. Review status: criteria provided, single submitter. Criteria: Invitae Variant Classification Sherloc (09022015). Collection method: clinical testing. Allele origin: germline.

Ambry Genetics
Classification: Uncertain significance for Inborn genetic diseases. Last evaluated: 2022-04-13. Review status: criteria provided, single submitter. Criteria: Ambry Variant Classification Scheme 2023. Collection method: clinical testing. Allele origin: germline.

GeneDx
Classification: Uncertain significance. Last evaluated: 2021-07-24. Review status: criteria provided, single submitter. Criteria: GeneDx Variant Classification Process June 2021. Collection method: clinical testing. Allele origin: germline. Affected: yes.
Comment: In silico analysis supports that this missense variant does not alter protein structure/function; Has not been previously published as pathogenic or benign to our knowledge

NM_001846.4(COL4A2):c.1957G>A (p.Ala653Thr)

Gene: COL4A2 (collagen type IV alpha 2 chain; plus strand). Cytogenetic location: 13q34.
Variant type: single nucleotide variant.
Coding change: c.1957G>A on transcript NM_001846.4 (MANE Select); coding-DNA position 1957, G replaced by A.
Protein change: p.Ala653Thr; replaces alanine 653 with threonine.
Molecular consequence: missense variant.
Genome position (GRCh38, 1-based): chr13:110,465,585, G>A. VCF-style: chr13-110465585-G-A. GRCh37 (hg19) VCF-style: chr13-111117932-G-A.
Other names: short protein forms A653T.
Identifiers: ClinVar variation 1318539 (VCV001318539.10), dbSNP rs199875726, ClinGen allele CA7049758.